The following is an entry in ClinVar:

ClinVar aggregate classification (germline): Pathogenic/Likely pathogenic. Review status: criteria provided, multiple submitters, no conflicts (2 of 4 stars). 8 submissions from 8 submitters: Pathogenic (2); Likely pathogenic (6). Last evaluated 2026-08-06.

Conditions:
Familial adenomatous polyposis 3. Also called: NTHL1-Related Adenomatous Polyposis and Colorectal Cancer; NTHL1-related attenuated familial adenomatous polyposis; NTHL1 Tumor Syndrome; NTHL1-associated polyposis. Identifiers: Orphanet 220460, Orphanet 454840, MedGen C4225157, MONDO:0014630, OMIM 616415.
Hereditary cancer-predisposing syndrome. Also called: Neoplastic Syndromes, Hereditary; Hereditary Cancer Syndrome; Tumor predisposition; Hereditary neoplastic syndrome. Identifiers: Orphanet 140162, MedGen C0027672, MeSH D009386, MONDO:0015356.

Allele frequency attached by ClinVar (database versions not stated): gnomAD exomes 0.00001; TOPMed 0.00001.
gnomAD v4.1: 5 of 1,603,518 alleles (0.00031%); highest among the groups gnomAD compares: Non-Finnish European, 0.00043%; no homozygotes.

Submissions (8):

OLLIN Analises Genomicas, OLLIN
Classification: Pathogenic for Familial adenomatous polyposis 3. Last evaluated: 2026-08-06. Review status: criteria provided, single submitter. Criteria: ACMG Guidelines 2015 PMID 25741868. Collection method: clinical testing. Allele origin: germline.
Comment: This variant, located at the canonical splicing site (splice acceptor), has been reported in ClinVar (accession VCV000653175.36) and in gnomAD with an allele frequency of 0.00031%. However, to our knowledge, it has not been reported in the scientific literature. This variant is predicted to disrupt a canonical splice site, potentially leading to exon skipping, mRNA degradation via nonsense-mediated decay (NMD), or production of a truncated protein. Another pathogenic variant has been reported to result in the same amino acid substitution. According to the currently available evidence, this variant has been classified as pathogenic (PVS1, PS1_P, PM2_P).

Center for Genomic Medicine, Rigshospitalet, Copenhagen University Hospital
Classification: Likely pathogenic. Last evaluated: 2025-12-29. Review status: criteria provided, single submitter. Criteria: ACMG Guidelines, 2015. Collection method: clinical testing. Allele origin: germline.

Labcorp Genetics (formerly Invitae), Labcorp
Classification: Likely pathogenic. Last evaluated: 2025-09-02. Review status: criteria provided, single submitter. Criteria: Invitae Variant Classification Sherloc (09022015). Collection method: clinical testing. Allele origin: germline.
Comment: This sequence change affects an acceptor splice site in intron 1 of the NTHL1 gene. RNA analysis indicates that disruption of this splice site induces altered splicing and may result in an absent or altered protein product. This variant is not present in population databases (gnomAD no frequency). This variant has not been reported in the literature in individuals affected with NTHL1-related conditions. ClinVar contains an entry for this variant (Variation ID: 653175). Studies have shown that disruption of this splice site results in activation of a cryptic splice site, and produces a non-functional protein and/or introduces a premature termination codon (internal data). In summary, the currently available evidence indicates that the variant is pathogenic, but additional data are needed to prove that conclusively. Therefore, this variant has been classified as Likely Pathogenic.

Ambry Genetics
Classification: Likely pathogenic for Hereditary cancer-predisposing syndrome. Last evaluated: 2024-12-11. Review status: criteria provided, single submitter. Criteria: Ambry Variant Classification Scheme 2023. Collection method: clinical testing. Allele origin: germline.
Comment: The c.140-1G>A intronic variant results from a G to A substitution one nucleotide before coding exon 2 of the NTHL1 gene. This nucleotide position is highly conserved in available vertebrate species. In silico splice site analysis predicts that this alteration will weaken the native splice acceptor site. Alterations that disrupt the canonical splice site are expected to cause aberrant splicing, resulting in an abnormal protein or a transcript that is subject to nonsense-mediated mRNA decay. As such, this alteration is classified as likely pathogenic.

CeGaT Center for Human Genetics Tuebingen
Classification: Pathogenic. Last evaluated: 2024-09-01. Review status: criteria provided, single submitter. Criteria: CeGaT Center For Human Genetics Tuebingen Variant Classification Criteria Version 2. Collection method: clinical testing. Allele origin: germline. Affected: yes. Observed: 2 variant alleles.
Comment: NTHL1: PVS1, PM2

Baylor Genetics
Classification: Likely pathogenic for Familial adenomatous polyposis 3. Last evaluated: 2023-09-18. Review status: criteria provided, single submitter. Criteria: ACMG Guidelines, 2015. Collection method: clinical testing. Allele origin: unknown.

Myriad Genetics, Inc.
Classification: Likely pathogenic for Familial adenomatous polyposis 3. Last evaluated: 2023-08-31. Review status: criteria provided, single submitter. Criteria: Myriad Autosomal Dominant, Autosomal Recessive and X-Linked Classification Criteria (2023). Collection method: clinical testing. Allele origin: unknown.
Comment: This variant is considered likely pathogenic. This variant occurs within a consensus splice junction and is predicted to result in abnormal mRNA splicing of either an out-of-frame exon or an in-frame exon necessary for protein stability and/or normal function.

GeneDx
Classification: Likely pathogenic. Last evaluated: 2020-11-25. Review status: criteria provided, single submitter. Criteria: GeneDx Variant Classification Process June 2021. Collection method: clinical testing. Allele origin: germline. Affected: yes.
Comment: Canonical splice site variant in a gene for which loss-of-function is a known mechanism of disease; Not observed in large population cohorts (Lek 2016); Has not been previously published as pathogenic or benign to our knowledge

NM_002528.7(NTHL1):c.116-1G>A

Gene: NTHL1 (nth like DNA glycosylase 1; minus strand). Cytogenetic location: 16p13.3.
Variant type: single nucleotide variant.
Coding change: c.116-1G>A on transcript NM_002528.7 (MANE Select); the canonical splice acceptor site of the intron before coding-DNA position 116, G replaced by A.
Molecular consequence: splice acceptor variant.
Genome position (GRCh38, 1-based): chr16:2,046,367, C>T on the plus strand (G>A on the coding strand, the complement: NTHL1 is on the minus strand). VCF-style: chr16-2046367-C-T. GRCh37 (hg19) VCF-style: chr16-2096368-C-T.
Other names: c.-63-1G>A (NM_001318194.2); c.116-1G>A (NM_001318193.2).
Identifiers: ClinVar variation 653175 (VCV000653175.38), dbSNP rs1411394625, ClinGen allele CA394298124.